The following is an entry in ClinVar:

NM_016023.5(OTUD6B):c.316-1622G>A

Gene: OTUD6B (OTU deubiquitinase 6B; plus strand). Cytogenetic location: 8q21.3.
Variant type: single nucleotide variant.
Coding change: c.316-1622G>A on transcript NM_016023.5 (MANE Select); 1622 bases into the intron before coding-DNA position 316, G replaced by A.
Molecular consequence: intron variant.
Genome position (GRCh38, 1-based): chr8:91,076,734, G>A. VCF-style: chr8-91076734-G-A. GRCh37 (hg19) VCF-style: chr8-92088962-G-A.
Other names: c.12+3G>A (NM_001286745.3).
Identifiers: ClinVar variation 2434531 (VCV002434531.4), dbSNP rs1027999949, ClinGen allele CA181292605.

ClinVar aggregate classification (germline): Uncertain significance. Review status: criteria provided, multiple submitters, no conflicts (2 of 4 stars). 2 submissions from 2 submitters: Uncertain significance (2). Last evaluated 2023-08-21.

Conditions:
Intellectual developmental disorder with dysmorphic facies, seizures, and distal limb anomalies (IDDFSDA). Identifiers: Orphanet 505237, MedGen C4479520, MONDO:0044319, OMIM 617452.

Allele frequency attached by ClinVar (database versions not stated): gnomAD 0.00001; gnomAD exomes 0.00003; TOPMed 0.00003.
gnomAD v4.1: 27 of 922,674 alleles (0.0029%); highest among the groups gnomAD compares: African/African-American, 0.0049%; no homozygotes.

Submissions (2):

Revvity Omics, Revvity
Classification: Uncertain significance for Intellectual developmental disorder with dysmorphic facies, seizures, and distal limb anomalies. Last evaluated: 2023-08-21. Review status: criteria provided, single submitter. Criteria: ACMG Guidelines, 2015. Collection method: clinical testing. Allele origin: germline.

Greenwood Genetic Center Diagnostic Laboratories, Greenwood Genetic Center
Classification: Uncertain significance. Last evaluated: 2023-03-22. Review status: criteria provided, single submitter. Criteria: ACMG Guidelines, 2015. Collection method: clinical testing. Allele origin: germline. Affected: yes.
Comment: PM2